The following is an entry in ClinVar:

ClinVar aggregate classification (germline): Likely pathogenic. Review status: criteria provided, multiple submitters, no conflicts (2 of 4 stars). 2 submissions from 2 submitters: Likely pathogenic (2). Last evaluated 2024-10-18.
ClinVar aggregate classification (oncogenicity): Oncogenic (1 of 4 stars; one submission).

Conditions:
Neurofibromatosis, type 2 (SWNV). Also called: SCHWANNOMATOSIS, VESTIBULAR; NF2-Related Schwannomatosis; BILATERAL ACOUSTIC NEUROFIBROMATOSIS. Identifiers: Orphanet 637, MedGen C0027832, MONDO:0007039, OMIM 101000. Disease mechanism: loss of function.
Meningioma. Also called: Meningioma, somatic. Identifiers: Orphanet 2495, MedGen C0025286, MONDO:0016642, HP:0002858.

Submissions (3):

Dr. Guy Rouleau's laboratory, McGill University
Classification: Oncogenic for Meningioma. Last evaluated: 2025-03-30. Review status: criteria provided, single submitter. Criteria: ClinGen/CGC/VICC Guidelines for Oncogenicity, 2022. Collection method: research. Allele origin: somatic. Affected: yes.
Comment: This variant is an inframe deletion of Phenylalanine (F) at position 119 in the NF2 gene. This somatic variant was identified in a paired tumor-blood sequencing study of meningiomas. Experimental studies show that this variant impacts the NF2 protein function (PMID: 10712203). It is listed in ClinVar (Variation ID: 547704) and has been observed in individuals presenting with clinical features of neurofibromatosis type 2 and meningiomas (PMIDs: 7759081, 8655144, 15609345, 15684865, 24171707, 31273341, 37087513). However, this variant has not been reported in population databases (gnomAD v2.1.1: no frequency).

Labcorp Genetics (formerly Invitae), Labcorp
Classification: Likely pathogenic for Neurofibromatosis, type 2. Last evaluated: 2024-10-18. Review status: criteria provided, single submitter. Criteria: Invitae Variant Classification Sherloc (09022015). Collection method: clinical testing. Allele origin: germline.
Comment: This variant, c.357_359del, results in the deletion of 1 amino acid(s) of the NF2 protein (p.Phe119del), but otherwise preserves the integrity of the reading frame. This variant is not present in population databases (gnomAD no frequency). This variant has been observed in individuals with clinical features of neurofibromatosis type 2 (PMID: 7759081, 15684865, 31273341, 34416374, 35729665, 37087513). This variant is also known as p.Phe118del. ClinVar contains an entry for this variant (Variation ID: 547704). Algorithms developed to predict the effect of variants on gene product structure and function are not available or were not evaluated for this variant. Experimental studies have shown that this variant affects NF2 function (PMID: 10712203). In summary, the currently available evidence indicates that the variant is pathogenic, but additional data are needed to prove that conclusively. Therefore, this variant has been classified as Likely Pathogenic.

Center for Human Genetics, Inc
Classification: Likely pathogenic for Neurofibromatosis, type 2. Last evaluated: 2016-11-01. Review status: criteria provided, single submitter. Criteria: ACMG Guidelines, 2015. Collection method: clinical testing. Allele origin: germline. Affected: yes.

Literature cited by the submitters: PubMed 7759081 (cited by Labcorp Genetics (formerly Invitae), Labcorp); PubMed 15684865 (cited by Labcorp Genetics (formerly Invitae), Labcorp); PubMed 31273341 (cited by Labcorp Genetics (formerly Invitae), Labcorp); PubMed 34416374 (cited by Labcorp Genetics (formerly Invitae), Labcorp); PubMed 35729665 (cited by Labcorp Genetics (formerly Invitae), Labcorp); PubMed 37087513 (cited by Labcorp Genetics (formerly Invitae), Labcorp); PubMed 10712203 (cited by Labcorp Genetics (formerly Invitae), Labcorp).

NM_000268.4(NF2):c.354CTT[1] (p.Phe119del)

Gene: NF2 (NF2, moesin-ezrin-radixin like (MERLIN) tumor suppressor; plus strand). Cytogenetic location: 22q12.2.
Variant type: Microsatellite.
Coding change: c.354CTT[1] on transcript NM_000268.4 (MANE Select); one copy of the 3-base unit CTT starting at c.354; the reference has two copies in a row; one copy, 3 bases deleted; also written c.357_359del.
Protein change: p.Phe119del; deletes phenylalanine 119.
Molecular consequence: inframe deletion. On other transcripts: non-coding transcript variant (1), intron variant (3).
Genome position (GRCh38, 1-based): chr22:29,639,206-29,639,208, CTT deleted; deleting any 3 consecutive bases within chr22:29,639,201-29,639,208 gives the same sequence; the position shown is the placement nearest the transcript's 3' end. VCF-style (leftmost placement, unchanged base first): chr22-29639200-ATTC-A. GRCh37 (hg19) VCF-style: chr22-30035189-ATTC-A.
Other names: c.357_359delCTT (NM_000268.3); c.354CTT[1], p.Phe119del (NM_181832.3, NM_181833.3, NM_016418.5 and 1 more transcripts); c.240+2330_240+2332del (NM_181829.3); c.115-2996_115-2994del (NM_181830.3, NM_181831.3); c.228CTT[1], p.Phe77del (NM_181828.3); c.357_359del (NM_000268.4); short protein forms F119del, F77del.
Identifiers: ClinVar variation 547704 (VCV000547704.4), dbSNP rs1555987732, ClinGen allele CA645600895.